The following is an entry in ClinVar:

NM_001614.5(ACTG1):c.376A>G (p.Thr126Ala)

Gene: ACTG1 (actin gamma 1; minus strand). Cytogenetic location: 17q25.3.
Variant type: single nucleotide variant.
Coding change: c.376A>G on transcript NM_001614.5 (MANE Select); coding-DNA position 376, A replaced by G.
Protein change: p.Thr126Ala; replaces threonine 126 with alanine.
Molecular consequence: missense variant. On other transcripts: non-coding transcript variant (1).
Genome position (GRCh38, 1-based): chr17:81,511,614, T>C on the plus strand (A>G on the coding strand, the complement: ACTG1 is on the minus strand). VCF-style: chr17-81511614-T-C. GRCh37 (hg19) VCF-style: chr17-79478640-T-C.
Other names: c.376A>G, p.Thr126Ala (NM_001199954.3); short protein forms T126A.
Identifiers: ClinVar variation 2121662 (VCV002121662.4), dbSNP rs1598549137, ClinGen allele CA401461468.

ClinVar aggregate classification (germline): Uncertain significance (1 of 4 stars; one submission).

Conditions:
Autosomal dominant nonsyndromic hearing loss 20. Identifiers: Orphanet 90635, MedGen C1858172, MONDO:0011480, OMIM 604717.
Baraitser-winter syndrome 2. Identifiers: Orphanet 2995, MedGen C3281235, MONDO:0013812, OMIM 614583.

Submission:

Labcorp Genetics (formerly Invitae), Labcorp
Classification: Uncertain significance for Baraitser-winter syndrome 2; Autosomal dominant nonsyndromic hearing loss 20. Last evaluated: 2022-04-07. Review status: criteria provided, single submitter. Criteria: Invitae Variant Classification Sherloc (09022015). Collection method: clinical testing. Allele origin: germline.
Comment: Algorithms developed to predict the effect of missense changes on protein structure and function are either unavailable or do not agree on the potential impact of this missense change (SIFT: "Deleterious"; PolyPhen-2: "Possibly Damaging"; Align-GVGD: "Class C0"). In summary, the available evidence is currently insufficient to determine the role of this variant in disease. Therefore, it has been classified as a Variant of Uncertain Significance. This missense change has been observed in at least one individual who was not affected with ACTG1-related conditions (Invitae). This variant has not been reported in the literature in individuals affected with ACTG1-related conditions. This variant is not present in population databases (gnomAD no frequency). This sequence change replaces threonine, which is neutral and polar, with alanine, which is neutral and non-polar, at codon 126 of the ACTG1 protein (p.Thr126Ala).